The following is an entry in ClinVar:

ClinVar aggregate classification (germline): Benign/Likely benign. Review status: criteria provided, multiple submitters, no conflicts (2 of 4 stars). 3 submissions from 3 submitters: Benign (1); Likely benign (2). Last evaluated 2025-12-01.

Conditions:
Prostate cancer, hereditary, 9 (HPC9). Identifiers: Orphanet 1331, MedGen C1970250, MONDO:0012597, OMIM 610997.
Hereditary cancer-predisposing syndrome. Also called: Tumor predisposition; Hereditary neoplastic syndrome; Neoplastic Syndromes, Hereditary; Hereditary Cancer Syndrome. Identifiers: Orphanet 140162, MedGen C0027672, MeSH D009386, MONDO:0015356.

Allele frequency attached by ClinVar (database versions not stated): gnomAD 0.00001; gnomAD exomes 0.00001; TOPMed 0.00001.
gnomAD v4.1: 3 of 1,613,194 alleles (0.00019%); highest among the groups gnomAD compares: East Asian, 0.0067%; no homozygotes.

Submissions (3):

Labcorp Genetics (formerly Invitae), Labcorp
Classification: Likely benign. Last evaluated: 2025-12-01. Review status: criteria provided, single submitter. Criteria: Invitae Variant Classification Sherloc (09022015). Collection method: clinical testing. Allele origin: germline.

Myriad Genetics, Inc.
Classification: Benign for Prostate cancer, hereditary, 9. Last evaluated: 2024-10-29. Review status: criteria provided, single submitter. Criteria: Myriad Autosomal Dominant, Autosomal Recessive and X-Linked Classification Criteria (2023). Collection method: clinical testing. Allele origin: unknown.
Comment: This variant is considered benign. This variant is a silent/synonymous amino acid change and it is not expected to impact splicing.

Ambry Genetics
Classification: Likely benign for Hereditary cancer-predisposing syndrome. Last evaluated: 2018-10-29. Review status: criteria provided, single submitter. Criteria: Ambry Variant Classification Scheme 2023. Collection method: clinical testing. Allele origin: germline.

NM_006361.6(HOXB13):c.150C>G (p.Pro50=)

Gene: HOXB13 (homeobox B13; minus strand). Cytogenetic location: 17q21.32.
Variant type: single nucleotide variant.
Coding change: c.150C>G on transcript NM_006361.6 (MANE Select); coding-DNA position 150, C replaced by G.
Protein change: p.Pro50=; no amino-acid change (proline 50 retained).
Molecular consequence: synonymous variant.
Genome position (GRCh38, 1-based): chr17:48,728,444, G>C on the plus strand (C>G on the coding strand, the complement: HOXB13 is on the minus strand). VCF-style: chr17-48728444-G-C. GRCh37 (hg19) VCF-style: chr17-46805806-G-C.
Identifiers: ClinVar variation 819416 (VCV000819416.13), dbSNP rs1321649246, ClinGen allele CA500502703.